The following is an entry in ClinVar:

ClinVar aggregate classification (germline): Uncertain significance (1 of 4 stars; one submission).

gnomAD v4.1: 2 of 1,614,212 alleles (0.00012%); highest among the groups gnomAD compares: South Asian, 0.0011%; no homozygotes.

Submission:

Mayo Clinic Laboratories, Mayo Clinic
Classification: Uncertain significance. Last evaluated: 2024-07-10. Review status: criteria provided, single submitter. Criteria: ACMG Guidelines, 2015. Collection method: clinical testing. Allele origin: germline. Observed: 1 variant allele.
Comment: BP4, PP2

NM_001020658.2(PUM1):c.772A>G (p.Lys258Glu)

Gene: PUM1 (pumilio RNA binding family member 1; minus strand). Cytogenetic location: 1p35.2.
Variant type: single nucleotide variant.
Coding change: c.772A>G on transcript NM_001020658.2 (MANE Select); coding-DNA position 772, A replaced by G.
Protein change: p.Lys258Glu; replaces lysine 258 with glutamic acid.
Molecular consequence: missense variant.
Genome position (GRCh38, 1-based): chr1:30,995,169, T>C on the plus strand (A>G on the coding strand, the complement: PUM1 is on the minus strand). VCF-style: chr1-30995169-T-C. GRCh37 (hg19) VCF-style: chr1-31468016-T-C.
Other names: p.Lys258Glu; c.772A>G, p.Lys258Glu (NM_014676.3); short protein forms K258E.
Identifiers: ClinVar variation 3379558 (VCV003379558.1).
Genomic context (GRCh38, chr1:30,995,169, plus strand): 5'-TGTCCATCACATCACCCTCCTCCTTCAAATCTCCTAGCTTATCTCCATCAAACGTACCCT[T>C]GTTCTTCTTTTCACCTTTGTCGTTTTCATCACTGTCTGCATCCCTTGGGCCCTGTTTAAA-3'
Protein context (NP_001018494.1, residues 248-268): DENDKGEKKN[Lys258Glu]GTFDGDKLGD